The following is an entry in ClinVar:

ClinVar aggregate classification (germline): Uncertain significance. Review status: criteria provided, multiple submitters, no conflicts (2 of 4 stars). 2 submissions from 2 submitters: Uncertain significance (2). Last evaluated 2021-08-01.

Conditions:
Frontotemporal dementia and/or amyotrophic lateral sclerosis 1 (FTDALS1). Also called: Frontotemporal dementia with motor neuron disease 1; C9orf72 Frontotemporal Dementia and/or Amyotrophic Lateral Sclerosis. Identifiers: Orphanet 275872, MedGen C5779877, MONDO:0007105, OMIM 105550.
Paget disease of bone 2, early-onset (PDB2). Also called: Paget disease of bone 2. Identifiers: MedGen C4085251, MONDO:0011183, OMIM 602080.

Allele frequency attached by ClinVar (database versions not stated): gnomAD exomes below 0.00001; TOPMed below 0.00001; gnomAD 0.00001.
gnomAD v4.1: 3 of 1,443,136 alleles (0.00021%); highest among the groups gnomAD compares: Non-Finnish European, 0.00027%; no homozygotes.

Submissions (2):

Labcorp Genetics (formerly Invitae), Labcorp
Classification: Uncertain significance for Paget disease of bone 2, early-onset; Frontotemporal dementia and/or amyotrophic lateral sclerosis 1. Last evaluated: 2021-08-01. Review status: criteria provided, single submitter. Criteria: Invitae Variant Classification Sherloc (09022015). Collection method: clinical testing. Allele origin: germline.
Comment: This variant has not been reported in the literature in individuals affected with SQSTM1-related conditions. The frequency data for this variant in the population databases is considered unreliable, as metrics indicate insufficient coverage at this position in the ExAC database. This sequence change replaces alanine with valine at codon 53 of the SQSTM1 protein (p.Ala53Val). The alanine residue is weakly conserved and there is a small physicochemical difference between alanine and valine. In summary, the available evidence is currently insufficient to determine the role of this variant in disease. Therefore, it has been classified as a Variant of Uncertain Significance. Algorithms developed to predict the effect of missense changes on protein structure and function output the following: SIFT: "Tolerated"; PolyPhen-2: "Benign"; Align-GVGD: "Class C0". The valine amino acid residue is found in multiple mammalian species, which suggests that this missense change does not adversely affect protein function.

GeneDx
Classification: Uncertain significance. Last evaluated: 2019-07-03. Review status: criteria provided, single submitter. Criteria: GeneDx Variant Classification Process June 2021. Collection method: clinical testing. Allele origin: germline. Affected: yes.
Comment: Not observed in large population cohorts (Lek et al., 2016); In silico analysis, which includes protein predictors and evolutionary conservation, supports that this variant does not alter protein structure/function; Has not been previously published as pathogenic or benign to our knowledge; A different missense change at this residue (A53T) has been reported in an individual with amyotrophic lateral sclerosis in published literature (Hirano et al., 2013)

NM_003900.5(SQSTM1):c.158C>T (p.Ala53Val)

Genes: SQSTM1 (sequestosome 1; plus strand), LOC129995449 (ATAC-STARR-seq lymphoblastoid silent region 16749; plus strand). Cytogenetic location: 5q35.3.
Variant type: single nucleotide variant.
Coding change: c.158C>T on transcript NM_003900.5 (MANE Select); coding-DNA position 158, C replaced by T.
Protein change: p.Ala53Val; replaces alanine 53 with valine.
Molecular consequence: missense variant. On other transcripts: intron variant (2).
Genome position (GRCh38, 1-based): chr5:179,821,094, C>T. VCF-style: chr5-179821094-C-T. GRCh37 (hg19) VCF-style: chr5-179248094-C-T.
Other names: c.-47-1864C>T (NM_001142298.2, NM_001142299.2); short protein forms A53V.
Identifiers: ClinVar variation 1306583 (VCV001306583.7), dbSNP rs1241285995, ClinGen allele CA362442478.